The following is an entry in ClinVar:

ClinVar aggregate classification (germline): Uncertain significance (1 of 4 stars; one submission).

Allele frequency attached by ClinVar (database versions not stated): gnomAD exomes below 0.00001; TOPMed below 0.00001; ExAC 0.00001; gnomAD 0.00001.
gnomAD v4.1: 2 of 1,612,578 alleles (0.00012%); highest among the groups gnomAD compares: Non-Finnish European, 0.00017%; no homozygotes.

Submission:

GeneDx
Classification: Uncertain significance. Last evaluated: 2021-09-23. Review status: criteria provided, single submitter. Criteria: GeneDx Variant Classification Process June 2021. Collection method: clinical testing. Allele origin: germline. Affected: yes.
Comment: Not observed at a significant frequency in large population cohorts (Lek et al., 2016); In silico analysis supports that this missense variant has a deleterious effect on protein structure/function; Has not been previously published as pathogenic or benign to our knowledge

NM_016239.4(MYO15A):c.3869A>G (p.His1290Arg)

Gene: MYO15A (myosin XVA; plus strand). Cytogenetic location: 17p11.2.
Variant type: single nucleotide variant.
Coding change: c.3869A>G on transcript NM_016239.4 (MANE Select); coding-DNA position 3869, A replaced by G.
Protein change: p.His1290Arg; replaces histidine 1290 with arginine.
Molecular consequence: missense variant.
Genome position (GRCh38, 1-based): chr17:18,126,793, A>G. VCF-style: chr17-18126793-A-G. GRCh37 (hg19) VCF-style: chr17-18030107-A-G.
Other names: short protein forms H1290R.
Identifiers: ClinVar variation 1314002 (VCV001314002.2), dbSNP rs760946312, ClinGen allele CA8423633.